The following is an entry in ClinVar:

ClinVar aggregate classification (germline): Uncertain significance (1 of 4 stars; one submission).

gnomAD v4.1: 15 of 1,204,997 alleles (0.0012%); highest among the groups gnomAD compares: Middle Eastern, 0.023%; no homozygotes.

Submission:

Labcorp Genetics (formerly Invitae), Labcorp
Classification: Uncertain significance. Last evaluated: 2025-05-26. Review status: criteria provided, single submitter. Criteria: Invitae Variant Classification Sherloc (09022015). Collection method: clinical testing. Allele origin: germline.
Comment: This sequence change falls in intron 12 of the MSN gene. It does not directly change the encoded amino acid sequence of the MSN protein. It affects a nucleotide within the consensus splice site. This variant is present in population databases (rs56050139, gnomAD 0.003%), including at least one homozygous and/or hemizygous individual. This variant has not been reported in the literature in individuals affected with MSN-related conditions. ClinVar contains an entry for this variant (Variation ID: 3714136). Variants that disrupt the consensus splice site are a relatively common cause of aberrant splicing (PMID: 17576681, 9536098). Algorithms developed to predict the effect of sequence changes on RNA splicing suggest that this variant is not likely to affect RNA splicing. In summary, the available evidence is currently insufficient to determine the role of this variant in disease. Therefore, it has been classified as a Variant of Uncertain Significance.

Literature cited by the submitters: PubMed 17576681; PubMed 9536098.

NM_002444.3(MSN):c.1570-3C>T

Gene: MSN (moesin; plus strand). Cytogenetic location: Xq12.
Variant type: single nucleotide variant.
Coding change: c.1570-3C>T on transcript NM_002444.3 (MANE Select); 3 bases into the intron before coding-DNA position 1570, C replaced by T.
Molecular consequence: intron variant.
Genome position (GRCh38, 1-based): chrX:65,739,726, C>T. VCF-style: chrX-65739726-C-T. GRCh37 (hg19) VCF-style: chrX-64959588-C-T.
Identifiers: ClinVar variation 3714136 (VCV003714136.2).